The following is an entry in ClinVar:

NM_001258392.3(CLPB):c.1591C>T (p.Arg531Trp)

Gene: CLPB (ClpB family mitochondrial disaggregase; minus strand). Cytogenetic location: 11q13.4.
Variant type: single nucleotide variant.
Coding change: c.1591C>T on transcript NM_001258392.3 (MANE Select); coding-DNA position 1591, C replaced by T.
Protein change: p.Arg531Trp; replaces arginine 531 with tryptophan.
Molecular consequence: missense variant.
Genome position (GRCh38, 1-based): chr11:72,294,414, G>A on the plus strand (C>T on the coding strand, the complement: CLPB is on the minus strand). VCF-style: chr11-72294414-G-A. GRCh37 (hg19) VCF-style: chr11-72005458-G-A.
Other names: c.1504C>T, p.Arg502Trp (NM_001258393.3); c.1546C>T, p.Arg516Trp (NM_001258394.3); c.1681C>T, p.Arg561Trp (NM_030813.6); short protein forms R502W, R516W, R531W, R561W.
Identifiers: ClinVar variation 869400 (VCV000869400.12), dbSNP rs1949512456, ClinGen allele CA381726555.

ClinVar aggregate classification (germline): Conflicting classifications of pathogenicity. Review status: criteria provided, conflicting classifications (1 of 4 stars). 5 submissions from 5 submitters: Pathogenic (2); Uncertain significance (2). 1 of the submissions does not count toward it. Last evaluated 2022-09-01.

Conditions:
3-methylglutaconic aciduria, type VIIA. Also called: 3-METHYLGLUTACONIC ACIDURIA WITH NEUROLOGIC INVOLVEMENT AND NEUTROPENIA, AUTOSOMAL DOMINANT. Identifiers: MedGen C5676967, MONDO:0859237, OMIM 619835.
3-methylglutaconic aciduria, type VIIB (MGCA7B). Also called: 3-methylglutaconic aciduria with cataracts, neurologic involvement and neutropenia; CLPB Deficiency; 3-methylglutaconic aciduria, type VII, with cataracts, neurologic involvement and neutropenia. Identifiers: Orphanet 445038, MedGen C5676893, MONDO:0014561, OMIM 616271.

Submissions (5):

3billion
Classification: Pathogenic for 3-methylglutaconic aciduria, type VIIA. Last evaluated: 2022-09-01. Review status: criteria provided, single submitter. Criteria: ACMG Guidelines, 2015. Collection method: clinical testing. Allele origin: germline. Affected: yes. Observed: 1 heterozygote.
Comment: The variant is not observed in the gnomAD v2.1.1 dataset. In silico tool predictions suggest damaging effect of the variant on gene or gene product (REVEL: 0.82; 3Cnet: 0.59). Same nucleotide change resulting in same amino acid change has been previously reported to be associated with CLPB-related disorder (PMID: 34140661). The variant has been previously reported as de novo in at least two similarly affected unrelated individuals, and observed in at least two similarly affected unrelated individuals (PMID: 34140661). Therefore, this variant is classified as Pathogenic according to the recommendation of ACMG/AMP guideline.

Labcorp Genetics (formerly Invitae), Labcorp
Classification: Pathogenic for 3-methylglutaconic aciduria, type VIIB. Last evaluated: 2022-04-25. Review status: criteria provided, single submitter. Criteria: Invitae Variant Classification Sherloc (09022015). Collection method: clinical testing. Allele origin: germline.
Comment: This sequence change replaces arginine, which is basic and polar, with tryptophan, which is neutral and slightly polar, at codon 561 of the CLPB protein (p.Arg561Trp). This variant is not present in population databases (gnomAD no frequency). This missense change has been observed in individual(s) with neutropenia and neurodevelopmental syndrome (PMID: 32313153, 34140661; Invitae). In at least one individual the variant was observed to be de novo. ClinVar contains an entry for this variant (Variation ID: 869400). Algorithms developed to predict the effect of missense changes on protein structure and function (SIFT, PolyPhen-2, Align-GVGD) all suggest that this variant is likely to be disruptive. For these reasons, this variant has been classified as Pathogenic.

Revvity Omics, Revvity
Classification: Uncertain significance. Last evaluated: 2021-04-05. Review status: criteria provided, single submitter. Criteria: ACMG Guidelines, 2015. Collection method: clinical testing. Allele origin: germline.

Kids Research, The Children's Hospital at Westmead
Classification: Uncertain significance for 3-methylglutaconic aciduria, type VIIB. Review status: criteria provided, single submitter. Criteria: ACMG Guidelines, 2015. Collection method: research. Allele origin: de novo. Inheritance: Sporadic. Affected: yes.

OMIM
Classification: Pathogenic for 3-METHYLGLUTACONIC ACIDURIA, TYPE VIIA. Last evaluated: 2022-08-11. Review status: no assertion criteria provided. Collection method: literature only. Allele origin: germline. Not counted in ClinVar's aggregate classification.

Literature cited by the submitters: PubMed 34140661 (cited by 3 submitters); PubMed 32313153 (cited by Labcorp Genetics (formerly Invitae), Labcorp and Kids Research, The Children's Hospital at Westmead).